The following is an entry in ClinVar:

NM_003356.4(UCP3):c.314T>C (p.Val105Ala)

Gene: UCP3 (uncoupling protein 3; minus strand). Cytogenetic location: 11q13.4.
Variant type: single nucleotide variant.
Coding change: c.314T>C on transcript NM_003356.4 (MANE Select); coding-DNA position 314, T replaced by C.
Protein change: p.Val105Ala; replaces valine 105 with alanine.
Molecular consequence: missense variant.
Genome position (GRCh38, 1-based): chr11:74,006,192, A>G on the plus strand (T>C on the coding strand, the complement: UCP3 is on the minus strand). VCF-style: chr11-74006192-A-G. GRCh37 (hg19) VCF-style: chr11-73717237-A-G.
Other names: c.314T>C, p.Val105Ala (NM_022803.3); short protein forms V105A.
Identifiers: ClinVar variation 4985442 (VCV004985442.1).

ClinVar aggregate classification (germline): Uncertain significance (1 of 4 stars; one submission).

Conditions:
UCP3-related disorder. Also called: UCP3-related condition.

gnomAD v4.1: 1 of 1,614,118 alleles (0.000062%); highest among the groups gnomAD compares: Admixed American, 0.0017%; no homozygotes.

Submission:

PreventionGenetics, part of Exact Sciences
Classification: Uncertain significance for UCP3-related condition. Last evaluated: 2026-07-08. Review status: criteria provided, single submitter. Criteria: ACMG Guidelines, 2015. Collection method: clinical testing. Allele origin: germline.
Comment: The UCP3 c.314T>C variant is predicted to result in the amino acid substitution p.Val105Ala. To our knowledge, this variant has not been reported in the literature. This variant is reported in 0.0029% of alleles in individuals of Latino descent in gnomAD. At this time, the clinical significance of this variant is uncertain due to the absence of conclusive functional and genetic evidence.